The following is an entry in ClinVar:

NM_017433.5(MYO3A):c.3523A>G (p.Thr1175Ala)

Gene: MYO3A (myosin IIIA; plus strand). Cytogenetic location: 10p12.1.
Variant type: single nucleotide variant.
Coding change: c.3523A>G on transcript NM_017433.5 (MANE Select); coding-DNA position 3523, A replaced by G.
Protein change: p.Thr1175Ala; replaces threonine 1175 with alanine.
Molecular consequence: missense variant.
Genome position (GRCh38, 1-based): chr10:26,173,787, A>G. VCF-style: chr10-26173787-A-G. GRCh37 (hg19) VCF-style: chr10-26462716-A-G.
Other names: short protein forms T1175A.
Identifiers: ClinVar variation 3650565 (VCV003650565.2).

ClinVar aggregate classification (germline): Uncertain significance (1 of 4 stars; one submission).

Submission:

Labcorp Genetics (formerly Invitae), Labcorp
Classification: Uncertain significance. Last evaluated: 2024-04-22. Review status: criteria provided, single submitter. Criteria: Invitae Variant Classification Sherloc (09022015). Collection method: clinical testing. Allele origin: germline.
Comment: This sequence change replaces threonine, which is neutral and polar, with alanine, which is neutral and non-polar, at codon 1175 of the MYO3A protein (p.Thr1175Ala). This variant is not present in population databases (gnomAD no frequency). This variant has not been reported in the literature in individuals affected with MYO3A-related conditions. Advanced modeling of protein sequence and biophysical properties (such as structural, functional, and spatial information, amino acid conservation, physicochemical variation, residue mobility, and thermodynamic stability) performed at Invitae indicates that this missense variant is not expected to disrupt MYO3A protein function with a negative predictive value of 80%. In summary, the available evidence is currently insufficient to determine the role of this variant in disease. Therefore, it has been classified as a Variant of Uncertain Significance.